The following is an entry in ClinVar:

NM_014254.3(RXYLT1):c.825G>A (p.Thr275=)

Gene: RXYLT1 (ribitol xylosyltransferase 1; plus strand). Cytogenetic location: 12q14.2.
Variant type: single nucleotide variant.
Coding change: c.825G>A on transcript NM_014254.3 (MANE Select); coding-DNA position 825, G replaced by A.
Protein change: p.Thr275=; no amino-acid change (threonine 275 retained).
Molecular consequence: synonymous variant.
Genome position (GRCh38, 1-based): chr12:63,805,315, G>A. VCF-style: chr12-63805315-G-A. GRCh37 (hg19) VCF-style: chr12-64199095-G-A.
Other names: c.45G>A, p.Thr15= (NM_001278237.2).
Identifiers: ClinVar variation 386581 (VCV000386581.42), dbSNP rs115076664, ClinGen allele CA6666189.
Genomic context (GRCh38, chr12:63,805,315, plus strand): 5'-GGAGGCAAGTTGGTCAATGCTGCATGATGAGAGGCCATATTTATGTAATTTCTTAGGAAC[G>A]ATTTATGAAAATTCATCCAGACAGGCACTAATGAACATTTTGAAAAAAGATGGGAACGAT-3'
Protein context (NP_055069.1, residues 265-285): ERPYLCNFLG[Thr275=]IYENSSRQAL

ClinVar aggregate classification (germline): Benign/Likely benign. Review status: criteria provided, multiple submitters, no conflicts (2 of 4 stars). 4 submissions from 4 submitters: Benign (2); Likely benign (2). Last evaluated 2026-01-28.

Allele frequency attached by ClinVar (database versions not stated): TOPMed 0.00286; 1000 Genomes Project 30x 0.00375; 1000 Genomes Project 0.00379; gnomAD exomes 0.00022 and 0.00059; ExAC 0.00078; ESP Exome Variant Server 0.00246; gnomAD 0.00252 and 0.00264.
gnomAD v4.1: 713 of 1,613,318 alleles (0.044%); highest among the groups gnomAD compares: African/African-American, 0.87%; 1 homozygote.

Submissions (4):

Labcorp Genetics (formerly Invitae), Labcorp
Classification: Benign. Last evaluated: 2026-01-28. Review status: criteria provided, single submitter. Criteria: Invitae Variant Classification Sherloc (09022015). Collection method: clinical testing. Allele origin: germline.

CeGaT Center for Human Genetics Tuebingen
Classification: Likely benign. Last evaluated: 2023-01-01. Review status: criteria provided, single submitter. Criteria: CeGaT Center For Human Genetics Tuebingen Variant Classification Criteria Version 2. Collection method: clinical testing. Allele origin: germline. Affected: yes. Observed: 1 variant allele.
Comment: RXYLT1: BP4, BP7

GeneDx
Classification: Likely benign. Last evaluated: 2021-04-25. Review status: criteria provided, single submitter. Criteria: GeneDx Variant Classification Process June 2021. Collection method: clinical testing. Allele origin: germline. Affected: yes.

Athena Diagnostics
Classification: Benign. Last evaluated: 2020-01-13. Review status: criteria provided, single submitter. Criteria: Athena Diagnostics Criteria. Collection method: clinical testing. Allele origin: unknown.